The following is an entry in ClinVar:

NM_000536.4(RAG2):c.486G>A (p.Met162Ile)

Gene: RAG2 (recombination activating 2; minus strand). Cytogenetic location: 11p12.
Variant type: single nucleotide variant.
Coding change: c.486G>A on transcript NM_000536.4 (MANE Select); coding-DNA position 486, G replaced by A.
Protein change: p.Met162Ile; replaces methionine 162 with isoleucine.
Molecular consequence: missense variant.
Genome position (GRCh38, 1-based): chr11:36,593,683, C>T on the plus strand (G>A on the coding strand, the complement: RAG2 is on the minus strand). VCF-style: chr11-36593683-C-T. GRCh37 (hg19) VCF-style: chr11-36615233-C-T.
Other names: c.486G>A, p.Met162Ile (NM_001243785.2, NM_001243786.2); c.486G>A (NM_000536.3); short protein forms M162I.
Identifiers: ClinVar variation 2155876 (VCV002155876.2), dbSNP rs767924789, ClinGen allele CA5950566.

ClinVar aggregate classification (germline): Conflicting classifications of pathogenicity. Review status: criteria provided, conflicting classifications (1 of 4 stars). 2 submissions from 2 submitters: Uncertain significance (1); Likely benign (1). Last evaluated 2025-05-06.

Conditions:
Inborn genetic diseases. Identifiers: MedGen C0950123, MeSH D030342.
Combined immunodeficiency with skin granulomas. Identifiers: Orphanet 157949, MedGen C2673536, MONDO:0009306, OMIM 233650.
Severe combined immunodeficiency, autosomal recessive, T cell-negative, B cell-negative, NK cell-positive. Also called: SCID, AR, T-cell negative, B-cell negative, NK cell-positive; Severe combined immunodeficiency due to complete RAG1/2 deficiency; SCID, T CELL-NEGATIVE, B CELL-NEGATIVE, NK CELL-POSITIVE. Identifiers: Orphanet 331206, MedGen C1832322, MONDO:0011086, OMIM 601457.

Allele frequency attached by ClinVar (database versions not stated): TOPMed 0.00001; ExAC 0.00002; gnomAD 0.00003.

Submissions (2):

Ambry Genetics
Classification: Likely benign for Inborn genetic diseases. Last evaluated: 2025-05-06. Review status: criteria provided, single submitter. Criteria: Ambry Variant Classification Scheme 2023. Collection method: clinical testing. Allele origin: germline.

Labcorp Genetics (formerly Invitae), Labcorp
Classification: Uncertain significance for Combined immunodeficiency with skin granulomas; Severe combined immunodeficiency, autosomal recessive, T cell-negative, B cell-negative, NK cell-positive. Last evaluated: 2022-08-20. Review status: criteria provided, single submitter. Criteria: Invitae Variant Classification Sherloc (09022015). Collection method: clinical testing. Allele origin: germline.
Comment: This sequence change replaces methionine, which is neutral and non-polar, with isoleucine, which is neutral and non-polar, at codon 162 of the RAG2 protein (p.Met162Ile). This variant is present in population databases (rs767924789, gnomAD 0.003%). This variant has not been reported in the literature in individuals affected with RAG2-related conditions. Advanced modeling of protein sequence and biophysical properties (such as structural, functional, and spatial information, amino acid conservation, physicochemical variation, residue mobility, and thermodynamic stability) performed at Invitae indicates that this missense variant is not expected to disrupt RAG2 protein function. In summary, the available evidence is currently insufficient to determine the role of this variant in disease. Therefore, it has been classified as a Variant of Uncertain Significance.